The following is an entry in ClinVar:

ClinVar aggregate classification (germline): Uncertain significance (1 of 4 stars; one submission).

Submission:

GeneDx
Classification: Uncertain significance. Last evaluated: 2020-05-14. Review status: criteria provided, single submitter. Criteria: GeneDx Variant Classification Process June 2021. Collection method: clinical testing. Allele origin: germline. Affected: yes.
Comment: Not observed in large population cohorts (Lek et al., 2016); In silico analysis supports that this missense variant has a deleterious effect on protein structure/function; Has not been previously published as pathogenic or benign to our knowledge

NM_015355.4(SUZ12):c.640C>G (p.Pro214Ala)

Gene: SUZ12 (SUZ12 polycomb repressive complex 2 subunit; plus strand). Cytogenetic location: 17q11.2.
Variant type: single nucleotide variant.
Coding change: c.640C>G on transcript NM_015355.4 (MANE Select); coding-DNA position 640, C replaced by G.
Protein change: p.Pro214Ala; replaces proline 214 with alanine.
Molecular consequence: missense variant.
Genome position (GRCh38, 1-based): chr17:31,975,530, C>G. VCF-style: chr17-31975530-C-G. GRCh37 (hg19) VCF-style: chr17-30302549-C-G.
Other names: c.571C>G, p.Pro191Ala (NM_001321207.2); short protein forms P191A, P214A.
Identifiers: ClinVar variation 1312646 (VCV001312646.2), dbSNP rs759275683, ClinGen allele CA399024609.